The following is an entry in ClinVar:

NM_004168.4(SDHA):c.119A>G (p.Asn40Ser)

Gene: SDHA (succinate dehydrogenase complex flavoprotein subunit A; plus strand). Cytogenetic location: 5p15.33.
Variant type: single nucleotide variant.
Coding change: c.119A>G on transcript NM_004168.4 (MANE Select); coding-DNA position 119, A replaced by G.
Protein change: p.Asn40Ser; replaces asparagine 40 with serine.
Molecular consequence: missense variant.
Genome position (GRCh38, 1-based): chr5:223,537, A>G. VCF-style: chr5-223537-A-G. GRCh37 (hg19) VCF-style: chr5-223652-A-G.
Other names: c.119A>G, p.Asn40Ser (NM_001294332.2, NM_001330758.2); c.119A>G (NM_004168.2); short protein forms N40S.
Identifiers: ClinVar variation 951113 (VCV000951113.12), dbSNP rs1734833856, ClinGen allele CA359008206.

ClinVar aggregate classification (germline): Conflicting classifications of pathogenicity. Review status: criteria provided, conflicting classifications (1 of 4 stars). 2 submissions from 2 submitters: Uncertain significance (1); Likely benign (1). Last evaluated 2026-02-05.

Conditions:
Mitochondrial complex II deficiency, nuclear type 1. Also called: SUCCINATE CoQ REDUCTASE DEFICIENCY. Identifiers: Orphanet 3208, MedGen C5700310, MONDO:0100294, OMIM 252011.
Pheochromocytoma/paraganglioma syndrome 5. Also called: Paragangliomas 5; SDHA-Related Hereditary Paraganglioma-Pheochromocytoma Syndrome. Identifiers: Orphanet 29072, MedGen C3279992, MONDO:0013602, OMIM 614165.
Hereditary cancer-predisposing syndrome. Also called: Hereditary Cancer Syndrome; Neoplastic Syndromes, Hereditary; Tumor predisposition; Hereditary neoplastic syndrome. Identifiers: Orphanet 140162, MedGen C0027672, MeSH D009386, MONDO:0015356.

Allele frequency attached by ClinVar (database versions not stated): TOPMed below 0.00001.

Submissions (2):

Ambry Genetics
Classification: Likely benign for Hereditary cancer-predisposing syndrome. Last evaluated: 2026-02-05. Review status: criteria provided, single submitter. Criteria: Ambry Variant Classification Scheme 2023. Collection method: clinical testing. Allele origin: germline.

Labcorp Genetics (formerly Invitae), Labcorp
Classification: Uncertain significance for Pheochromocytoma/paraganglioma syndrome 5; Mitochondrial complex II deficiency, nuclear type 1. Last evaluated: 2024-01-05. Review status: criteria provided, single submitter. Criteria: Invitae Variant Classification Sherloc (09022015). Collection method: clinical testing. Allele origin: germline.
Comment: This sequence change replaces asparagine, which is neutral and polar, with serine, which is neutral and polar, at codon 40 of the SDHA protein (p.Asn40Ser). This variant is not present in population databases (gnomAD no frequency). This variant has not been reported in the literature in individuals affected with SDHA-related conditions. ClinVar contains an entry for this variant (Variation ID: 951113). Advanced modeling of protein sequence and biophysical properties (such as structural, functional, and spatial information, amino acid conservation, physicochemical variation, residue mobility, and thermodynamic stability) performed at Invitae indicates that this missense variant is not expected to disrupt SDHA protein function with a negative predictive value of 95%. In summary, the available evidence is currently insufficient to determine the role of this variant in disease. Therefore, it has been classified as a Variant of Uncertain Significance.